The following is an entry in ClinVar:

NM_000144.5(FXN):c.165+1338AAG[10]

Genes: FXN (frataxin; plus strand), LOC108510657 (Friedreich ataxia repeat instability region; plus strand). Cytogenetic location: 9q21.11.
Variant type: Microsatellite.
Coding change: c.165+1338AAG[10] on transcript NM_000144.5 (MANE Select); ten copies in a row of the 3-base unit AAG starting at c.165+1338.
Molecular consequence: intron variant.
Genome position: GRCh38 VCF-style: chr9-69037284-A-AAAGAAGAAGAAG. GRCh37 (hg19) VCF-style: chr9-71652200-A-AAAGAAGAAGAAG.
Other names: c.165+1338AAG[10] (NM_181425.3).
Identifiers: ClinVar variation 4084955 (VCV004084955.8).

ClinVar aggregate classification (germline): Likely benign (1 of 4 stars; one submission).

Submission:

CeGaT Center for Human Genetics Tuebingen
Classification: Likely benign. Last evaluated: 2026-04-01. Review status: criteria provided, single submitter. Criteria: CeGaT Center For Human Genetics Tuebingen Variant Classification Criteria Version 2. Collection method: clinical testing. Allele origin: germline. Affected: yes. Observed: 2 variant alleles.
Comment: FXN: BS2